The following is an entry in ClinVar:

ClinVar aggregate classification (germline): Likely benign (0 of 4 stars; one submission).

Conditions:
LINS1-related disorder. Also called: LINS1-related condition.

Allele frequency attached by ClinVar (database versions not stated): gnomAD 0.00002; TOPMed 0.00002; ExAC 0.00004; 1000 Genomes Project 30x 0.00016; 1000 Genomes Project 0.00020.

Submission:

PreventionGenetics, part of Exact Sciences
Classification: Likely benign for LINS1-related condition. Last evaluated: 2019-05-28. Review status: no assertion criteria provided. Collection method: clinical testing. Allele origin: germline.
Comment: This variant is classified as likely benign based on ACMG/AMP sequence variant interpretation guidelines (Richards et al. 2015 PMID: 25741868, with internal and published modifications).

NM_001040616.3(LINS1):c.1394+9A>T

Gene: LINS1 (lines homolog 1; minus strand). Cytogenetic location: 15q26.3.
Variant type: single nucleotide variant.
Coding change: c.1394+9A>T on transcript NM_001040616.3 (MANE Select); 9 bases into the intron after coding-DNA position 1394, A replaced by T.
Molecular consequence: intron variant.
Genome position (GRCh38, 1-based): chr15:100,571,885, T>A on the plus strand (A>T on the coding strand, the complement: LINS1 is on the minus strand). VCF-style: chr15-100571885-T-A. GRCh37 (hg19) VCF-style: chr15-101112090-T-A.
Other names: c.1241+9A>T (NM_001352508.2); c.647+9A>T (NM_001352507.2).
Identifiers: ClinVar variation 3044545 (VCV003044545.2), dbSNP rs535698913, ClinGen allele CA7759434.